The following is an entry in ClinVar:

NM_002230.4(JUP):c.1370G>C (p.Cys457Ser)

Gene: JUP (junction plakoglobin; minus strand). Cytogenetic location: 17q21.2.
Variant type: single nucleotide variant.
Coding change: c.1370G>C on transcript NM_002230.4 (MANE Select); coding-DNA position 1370, G replaced by C.
Protein change: p.Cys457Ser; replaces cysteine 457 with serine.
Molecular consequence: missense variant.
Genome position (GRCh38, 1-based): chr17:41,763,110, C>G on the plus strand (G>C on the coding strand, the complement: JUP is on the minus strand). VCF-style: chr17-41763110-C-G. GRCh37 (hg19) VCF-style: chr17-39919362-C-G.
Other names: c.1370G>C, p.Cys457Ser (NM_001352773.2, NM_001352774.2, NM_001352775.2 and 3 more transcripts); short protein forms C457S.
Identifiers: ClinVar variation 4614315 (VCV004614315.1).

ClinVar aggregate classification (germline): Uncertain significance (1 of 4 stars; one submission).

Conditions:
Cardiovascular phenotype. Identifiers: MedGen CN230736.

Submission:

Ambry Genetics
Classification: Uncertain significance for Cardiovascular phenotype. Last evaluated: 2025-10-05. Review status: criteria provided, single submitter. Criteria: Ambry Variant Classification Scheme 2023. Collection method: clinical testing. Allele origin: germline.
Comment: The p.C457S variant (also known as c.1370G>C), located in coding exon 7 of the JUP gene, results from a G to C substitution at nucleotide position 1370. The cysteine at codon 457 is replaced by serine, an amino acid with dissimilar properties. This amino acid position is conserved. In addition, the in silico prediction for this alteration is inconclusive. Based on the available evidence, the clinical significance of this variant remains unclear.